The following continues an entry in ClinVar:

NM_000051.4(ATM):c.7271T>G (p.Val2424Gly)

ClinVar aggregate classification (germline): Pathogenic. Pathogenic (1).

Submissions 15 to 28 of 40:

Color Diagnostics, LLC DBA Color Health
Classification: Pathogenic for Hereditary cancer-predisposing syndrome. Last evaluated: 2024-04-30. Review status: criteria provided, single submitter. Criteria: ACMG Guidelines, 2015. Collection method: clinical testing. Allele origin: germline. Not counted in ClinVar's aggregate classification.
Comment: This missense variant replaces valine with glycine at codon 2424 in the FAT domain of the ATM protein. Computational prediction suggests that this variant may have deleterious impact on protein structure and function. Functional studies have shown that this variant results in significantly decreased ATM kinase activity (PMID: 11382771, 11830610, 18634022). This variant has been reported in over 50 individuals affected with breast cancer (PMID: 9463314, 11830610, 16958054, 21787400, 24733792, 25186627, 26681312, 27595995, 27798748, 28779002). Several large breast cancer case-control studies reported this variant to confer increased risk of the disease (PMID: 27595995, 33471991, 33509806), comparable to BRCA1 and BRCA2 pathogenic mutations (PMID: 11830610, 16958054, 26662178). This variant has been observed in multiple families affected with attenuated ataxia-telangiectasia in homozygous state or compound heterozygous state with pathogenic truncation variants (PMID: 8755918, 9463314, 18575927, 27528516, 30549301, 32748564). This variant has been identified in 12/282354 chromosomes in the general population by the Genome Aggregation Database (gnomAD). Based on the available evidence, this variant is classified as Pathogenic.

Genomics and Molecular Medicine Service, East Genomic Laboratory Hub, NHS Genomic Medicine Service
Classification: Pathogenic for NICE approved PARP inhibitor treatment. Last evaluated: 2024-04-24. Review status: criteria provided, single submitter. Criteria: ACGS Best Practice Guidelines for Variant Classification in Rare Disease 2020. Collection method: clinical testing. Allele origin: germline. Affected: yes. Not counted in ClinVar's aggregate classification.
Comment: PS3_Moderate,PS4,PM3_Strong,PP3

Baylor Genetics
Classification: Pathogenic for Familial cancer of breast. Last evaluated: 2024-03-22. Review status: criteria provided, single submitter. Criteria: ACMG Guidelines, 2015. Collection method: clinical testing. Allele origin: unknown. Not counted in ClinVar's aggregate classification.

Molecular Pathology, Peter Maccallum Cancer Centre
Classification: Pathogenic for Ataxia-telangiectasia syndrome. Last evaluated: 2024-02-27. Review status: criteria provided, single submitter. Criteria: ACMG Guidelines, 2015. Collection method: clinical testing. Allele origin: germline. Inheritance: Autosomal recessive inheritance. Not counted in ClinVar's aggregate classification.

Greenwood Genetic Center Diagnostic Laboratories, Greenwood Genetic Center
Classification: Pathogenic for Familial breast cancer. Last evaluated: 2022-11-28. Review status: criteria provided, single submitter. Criteria: ACMG Guidelines, 2015. Collection method: clinical testing. Allele origin: germline. Not counted in ClinVar's aggregate classification.
Comment: PP3, PS3_Moderate, PS4, PM3_Very strong, PP1

CHEO Genetics Diagnostic Laboratory, Children's Hospital of Eastern Ontario
Classification: Pathogenic for Breast and/or ovarian cancer. Last evaluated: 2022-07-05. Review status: criteria provided, single submitter. Criteria: ACMG Guidelines, 2015. Collection method: clinical testing. Allele origin: germline. Not counted in ClinVar's aggregate classification.

ARUP Laboratories, Molecular Genetics and Genomics, ARUP Laboratories
Classification: Pathogenic. Last evaluated: 2022-03-11. Review status: criteria provided, single submitter. Criteria: ARUP Molecular Germline Variant Investigation Process 2021. Collection method: clinical testing. Allele origin: germline. Not counted in ClinVar's aggregate classification.
Comment: The ATM c.7271T>G; p.Val2424Gly variant (rs28904921) is associated with an increased risk for breast and other cancers (Goldgar 2011, Kurian 2014, Stankovic 1998, Tavtigian 2009, Yurgelun 2015). It is also reported in association with autosomal recessive ataxia telangiectasia in both a homozygous state and in a compound heterozygous state with other ATM variants. (McConville 1996, Stankovic 1998). The p.Val2424Gly variant does not alter the abundance of the ATM protein but several studies have shown that it impairs ATM kinase activity and DNA repair (Barone 2009, Mitui 2009, Stankovic 1998). This variant is reported as pathogenic by multiple laboratories in ClinVar (Variation ID: 3023). It is found in the general population with an overall allele frequency of 0.004% (12/282354 alleles) in the Genome Aggregation Database. The valine at codon 2424 is highly conserved, and computational analyses (SIFT, PolyPhen-2) predict that this variant is deleterious. Based on available information, this variant is considered to be pathogenic. REFERENCES Barone G et al. Modeling ATM mutant proteins from missense changes confirms retained kinase activity. Hum Mutat. 2009 Aug;30(8):1222-1230. Goldgar DE et al. Rare variants in the ATM gene and risk of breast cancer. Breast Cancer Res. 2011 Jul 25;13(4):R73. Kurian AW et al. Clinical evaluation of a multiple-gene sequencing panel for hereditary cancer risk assessment. J Clin Oncol. 2014 Jul 1;32(19):2001-2009. McConville CM et al. Mutations associated with variant phenotypes in ataxia-telangiectasia. Am J Hum Genet. 1996 Aug;59(2):320-30 Mitui M et al. Functional and computational assessment of missense variants in the ataxia-telangiectasia mutated (ATM) gene: mutations with increased cancer risk. Hum Mutat. 2009 Jan;30(1):12-21 Stankovic T et al. ATM mutations and phenotypes in ataxia-telangiectasia families in the British Isles: expression of mutant ATM and the risk of leukemia, lymphoma, and breast cancer. Am J Hum Genet. 1998 Feb;62(2):334-345. Tavtigian SV et al. Rare, evolutionarily unlikely missense substitutions in ATM confer increased risk of breast cancer. Am J Hum Genet. 2009 Oct;85(4):427-446. Yurgelun MB et al. Identification of a Variety of Mutations in Cancer Predisposition Genes in Patients With Suspected Lynch Syndrome. Gastroenterology. 2015 Sep;149(3):604-13.e20.

Institute of Medical Genetics and Applied Genomics, University Hospital Tübingen
Classification: Pathogenic. Last evaluated: 2021-06-17. Review status: criteria provided, single submitter. Criteria: ACMG Guidelines, 2015. Collection method: clinical testing. Allele origin: germline. Inheritance: Autosomal recessive inheritance. Affected: yes. Not counted in ClinVar's aggregate classification.

Sema4
Classification: Pathogenic for Hereditary cancer-predisposing syndrome. Last evaluated: 2021-04-10. Review status: criteria provided, single submitter. Criteria: Sema4 Curation Guidelines. Collection method: curation. Allele origin: germline. Not counted in ClinVar's aggregate classification.
Comment: The ATM c.7271T>G (p.V2424G) variant has been reported in multiple families affected with ataxia-telangiectasia (A-T), breast cancer, and gastric cancer (PMID: 9463314, 8755918, 21787400, 24733792, 26506520, 17001622). A large case-control study found the variant to be associated with breast cancer OR 11.0 (95% CI 1.42 to 85.7, p=0.0012) with a 52% cumulative risk of breast cancer at age of 70 (PMID: 27595995). A functional study demonstrated that the variant impairs ATM kinase activity (PMID: 18634022). It was observed in 11/128854 chromosomes of the Non-Finnish European subpopulation, with no homozygotes, according to the Genome Aggregation Database (PMID: 32461654). The variant has been reported in ClinVar (Variation ID 3023). Based on the current evidence available, this variant is interpreted as pathogenic.

Genetics and Molecular Pathology, SA Pathology
Classification: Pathogenic for Familial cancer of breast. Last evaluated: 2021-04-02. Review status: criteria provided, single submitter. Criteria: ACMG Guidelines, 2015. Collection method: clinical testing. Allele origin: germline. Inheritance: Autosomal dominant inheritance. Affected: yes. Not counted in ClinVar's aggregate classification.

Mayo Clinic Laboratories, Mayo Clinic
Classification: Pathogenic. Last evaluated: 2020-10-07. Review status: criteria provided, single submitter. Criteria: ACMG Guidelines, 2015. Collection method: clinical testing. Allele origin: germline. Observed: 1 variant allele. Not counted in ClinVar's aggregate classification.
Comment: PS3, PS4, PM2, PM3, PP1, PP3, PP5

GeneDx
Classification: Pathogenic. Last evaluated: 2020-02-13. Review status: criteria provided, single submitter. Criteria: GeneDx Variant Classification Process June 2021. Collection method: clinical testing. Allele origin: germline. Affected: yes. Not counted in ClinVar's aggregate classification.
Comment: Case-control studies suggest this variant is associated with breast cancer and confers a higher risk than other ATM variants (Stankovic 1998, Chenevix-Trench 2002, Bernstein 2006, Goldgar 2011, van Os 2016, Southey 2016, Thompson 2016, Decker 2017); Published functional studies demonstrate a damaging effect: cells heterozygous for this variant demonstrate radiosensitivity and decreased kinase activity (Stewart 2001, Chenevix-Trench 2002, Barone 2009, Mitui 2009, Taylor 2014); Observed in the heterozygous state in individuals with ATM-related cancers (Huang 2015, Hart 2016, Southey 2016, Thompson 2016, Decker 2017); In silico analysis supports that this missense variant has a deleterious effect on protein structure/function; This variant is associated with the following publications: (PMID: 26898890, 26506520, 27595995, 28580595, 27913932, 28452373, 25186627, 29915382, 30549301, 8755918, 16958054, 21787400, 17001622, 24733792, 15928302, 9463314, 24763289, 18634022, 9288106, 22529920, 19781682, 24088041, 11382771, 26786923, 19431188, 26662178, 11830610, 26633545, 26985847, 25980754, 27273131, 14871810, 27528516, 26681312, 28779002, 28454591, 27988859, 28643015, 28840378, 28691344, 29034753, 27798748, 28821472, 28390840, 28439798, 29719442, 29271107, 29665859, 29661970, 29422015, 29341116, 29555025, 27084275, 29506079, 25040471, 18575927, 30197789, 27978560, 31447099)

Revvity Omics, Revvity
Classification: Pathogenic for Ataxia-telangiectasia syndrome. Last evaluated: 2019-04-30. Review status: criteria provided, single submitter. Criteria: ACMG Guidelines, 2015. Collection method: clinical testing. Allele origin: germline. Not counted in ClinVar's aggregate classification.

Fulgent Genetics
Classification: Pathogenic for Familial cancer of breast; Ataxia-telangiectasia syndrome. Last evaluated: 2017-05-18. Review status: criteria provided, single submitter. Criteria: ACMG Guidelines, 2015. Collection method: clinical testing. Allele origin: unknown. Not counted in ClinVar's aggregate classification.